The following is an entry in ClinVar:

NM_000264.5(PTCH1):c.500C>A (p.Ala167Asp)

Gene: PTCH1 (patched 1; minus strand). Cytogenetic location: 9q22.32.
Variant type: single nucleotide variant.
Coding change: c.500C>A on transcript NM_000264.5 (MANE Select); coding-DNA position 500, C replaced by A.
Protein change: p.Ala167Asp; replaces alanine 167 with aspartic acid.
Molecular consequence: missense variant. On other transcripts: non-coding transcript variant (1).
Genome position (GRCh38, 1-based): chr9:95,485,769, G>T on the plus strand (C>A on the coding strand, the complement: PTCH1 is on the minus strand). VCF-style: chr9-95485769-G-T. GRCh37 (hg19) VCF-style: chr9-98248051-G-T.
Other names: c.302C>A, p.Ala101Asp (NM_001354919.2, NM_001083602.3); c.497C>A, p.Ala166Asp (NM_001083603.3); c.47C>A, p.Ala16Asp (NM_001083604.3, NM_001083605.3, NM_001083606.3 and 1 more transcripts); c.500C>A, p.Ala167Asp (NM_001354918.2); short protein forms A101D, A167D, A166D, A16D.
Identifiers: ClinVar variation 135903 (VCV000135903.16), dbSNP rs587780707, ClinGen allele CA332582.
Genomic context (GRCh38, chr9:95,485,769, plus strand): 5'-CGGCTGGCCTGGAGTGCCGAGTCCAGGTGTTGTAGGAGCGCTTCTGTGGTCAGGACATTA[G>T]CACCTTCTTCTTTAGGGGTCTGTATCATGAGTTGAGGATTAAACATAGCCTCTTCTCCAA-3'
Protein context (NP_000255.2, residues 157-177): LMIQTPKEEG[Ala167Asp]NVLTTEALLQ

ClinVar aggregate classification (germline): Conflicting classifications of pathogenicity. Review status: criteria provided, conflicting classifications (1 of 4 stars). 4 submissions from 4 submitters: Uncertain significance (3); Benign (1). Last evaluated 2025-07-07.

Conditions:
Hereditary cancer-predisposing syndrome. Also called: Tumor predisposition; Hereditary neoplastic syndrome; Neoplastic Syndromes, Hereditary; Hereditary Cancer Syndrome. Identifiers: Orphanet 140162, MedGen C0027672, MeSH D009386, MONDO:0015356.
Basal cell carcinoma, susceptibility to, 1. Also called: BCC1. Identifiers: MedGen C2751544, MONDO:0011556, OMIM 605462.
Gorlin syndrome. Also called: Nevoid Basal Cell Carcinoma Syndrome; Basal cell nevus syndrome. Identifiers: Orphanet 377, MedGen C0004779, MONDO:0007187.

Allele frequency attached by ClinVar (database versions not stated): gnomAD exomes 0.00001.
gnomAD v4.1: 2 of 1,614,188 alleles (0.00012%); highest among the groups gnomAD compares: East Asian, 0.0045%; no homozygotes.

Submissions (4):

Labcorp Genetics (formerly Invitae), Labcorp
Classification: Benign for Gorlin syndrome. Last evaluated: 2025-07-07. Review status: criteria provided, single submitter. Criteria: Invitae Variant Classification Sherloc (09022015). Collection method: clinical testing. Allele origin: germline.

Ambry Genetics
Classification: Uncertain significance for Hereditary cancer-predisposing syndrome. Last evaluated: 2024-12-22. Review status: criteria provided, single submitter. Criteria: Ambry Variant Classification Scheme 2023. Collection method: clinical testing. Allele origin: germline.
Comment: The p.A167D variant (also known as c.500C>A), located in coding exon 3 of the PTCH1 gene, results from a C to A substitution at nucleotide position 500. The alanine at codon 167 is replaced by aspartic acid, an amino acid with dissimilar properties. This amino acid position is highly conserved in available vertebrate species. In addition, this alteration is predicted to be deleterious by in silico analysis. Since supporting evidence is limited at this time, the clinical significance of this alteration remains unclear.

Baylor Genetics
Classification: Uncertain significance for Basal cell carcinoma, susceptibility to, 1. Last evaluated: 2023-05-31. Review status: criteria provided, single submitter. Criteria: ACMG Guidelines, 2015. Collection method: clinical testing. Allele origin: unknown.

GeneDx
Classification: Uncertain significance. Last evaluated: 2022-05-16. Review status: criteria provided, single submitter. Criteria: GeneDx Variant Classification Process June 2021. Collection method: clinical testing. Allele origin: germline. Affected: yes.
Comment: In silico analysis supports that this missense variant has a deleterious effect on protein structure/function; Has not been previously published as pathogenic or benign to our knowledge